The following is an entry in ClinVar:

ClinVar aggregate classification (germline): Likely pathogenic (1 of 4 stars; one submission).

Conditions:
Marfan syndrome (MFS). Also called: Marfan syndrome, classic; Marfan syndrome type 1; Marfan's syndrome; MARFAN SYNDROME, TYPE I; FBN1-Related Marfan Syndrome. Identifiers: Orphanet 284963, Orphanet 558, MedGen C0024796, MONDO:0007947, OMIM 154700.
Familial thoracic aortic aneurysm and aortic dissection (TAAD). Also called: Thoracic aortic aneurysms and dissections. Identifiers: Orphanet 91387, MedGen C4707243, MONDO:0019625.

Allele frequency attached by ClinVar (database versions not stated): TOPMed below 0.00001.

Submission:

Labcorp Genetics (formerly Invitae), Labcorp
Classification: Likely pathogenic for Marfan syndrome; Familial thoracic aortic aneurysm and aortic dissection. Last evaluated: 2025-03-10. Review status: criteria provided, single submitter. Criteria: Invitae Variant Classification Sherloc (09022015). Collection method: clinical testing. Allele origin: germline.
Comment: This sequence change affects an acceptor splice site in intron 20 of the FBN1 gene. It is expected to disrupt RNA splicing. Variants that disrupt the donor or acceptor splice site typically lead to a loss of protein function (PMID: 16199547), and loss-of-function variants in FBN1 are known to be pathogenic (PMID: 17657824, 19293843). This variant is not present in population databases (gnomAD no frequency). Disruption of this splice site has been observed in individual(s) with Marfan syndrome (PMID: 16220557). ClinVar contains an entry for this variant (Variation ID: 406313). Algorithms developed to predict the effect of sequence changes on RNA splicing suggest that this variant may disrupt the consensus splice site. In summary, the currently available evidence indicates that the variant is pathogenic, but additional data are needed to prove that conclusively. Therefore, this variant has been classified as Likely Pathogenic.

Literature cited by the submitters: PubMed 16199547; PubMed 17657824; PubMed 19293843; PubMed 16220557.

NM_000138.5(FBN1):c.2420-2A>G

Gene: FBN1 (fibrillin 1; minus strand). Cytogenetic location: 15q21.1.
Variant type: single nucleotide variant.
Coding change: c.2420-2A>G on transcript NM_000138.5 (MANE Select); the canonical splice acceptor site of the intron before coding-DNA position 2420, A replaced by G.
Molecular consequence: splice acceptor variant.
Genome position (GRCh38, 1-based): chr15:48,495,590, T>C on the plus strand (A>G on the coding strand, the complement: FBN1 is on the minus strand). VCF-style: chr15-48495590-T-C. GRCh37 (hg19) VCF-style: chr15-48787787-T-C.
Other names: c.2420-2A>G (NM_001406716.1).
Identifiers: ClinVar variation 406313 (VCV000406313.11), dbSNP rs1060501052, ClinGen allele CA16614523.
Genomic context (GRCh38, chr15:48,495,590, plus strand): 5'-GCCTGGGCTGTTCTTGCAGACTCCATTAATGCAAGGACTTGATTCGCATTCATCAATGTC[T>C]GAAACAAAAACAGGTCTACATTACTGCTAAAATCTAGTCTTGGGCCTAAAAGAGTACTTC-3'